The following is an entry in ClinVar:

NM_000548.5(TSC2):c.2518G>A (p.Ala840Thr)

Gene: TSC2 (TSC complex subunit 2; plus strand). Cytogenetic location: 16p13.3.
Variant type: single nucleotide variant.
Coding change: c.2518G>A on transcript NM_000548.5 (MANE Select); coding-DNA position 2518, G replaced by A.
Protein change: p.Ala840Thr; replaces alanine 840 with threonine.
Molecular consequence: missense variant.
Genome position (GRCh38, 1-based): chr16:2,074,362, G>A. VCF-style: chr16-2074362-G-A. GRCh37 (hg19) VCF-style: chr16-2124363-G-A.
Other names: c.2518G>A, p.Ala840Thr (NM_001077183.3, NM_001114382.3, NM_001363528.2 and 3 more transcripts); c.2407G>A, p.Ala803Thr (NM_001318827.2); c.2371G>A, p.Ala791Thr (NM_001318829.2); c.1918G>A, p.Ala640Thr (NM_001318831.2); c.2551G>A, p.Ala851Thr (NM_001318832.2); c.2518G>A (NM_000548.3); short protein forms A640T, A791T, A803T, A840T, A851T.
Identifiers: ClinVar variation 1055992 (VCV001055992.11), dbSNP rs2151355372, ClinGen allele CA394277914.

ClinVar aggregate classification (germline): Uncertain significance. Review status: criteria provided, multiple submitters, no conflicts (2 of 4 stars). 2 submissions from 2 submitters: Uncertain significance (2). Last evaluated 2025-06-18.

Conditions:
Hereditary cancer-predisposing syndrome. Also called: Hereditary Cancer Syndrome; Tumor predisposition; Hereditary neoplastic syndrome; Neoplastic Syndromes, Hereditary. Identifiers: Orphanet 140162, MedGen C0027672, MeSH D009386, MONDO:0015356.
Tuberous sclerosis 2 (TSC2). Identifiers: Orphanet 805, MedGen C1860707, MONDO:0013199, OMIM 613254.

Submissions (2):

Ambry Genetics
Classification: Uncertain significance for Hereditary cancer-predisposing syndrome. Last evaluated: 2025-06-18. Review status: criteria provided, single submitter. Criteria: Ambry Variant Classification Scheme 2023. Collection method: clinical testing. Allele origin: germline.
Comment: The p.A840T variant (also known as c.2518G>A), located in coding exon 21 of the TSC2 gene, results from a G to A substitution at nucleotide position 2518. The alanine at codon 840 is replaced by threonine, an amino acid with similar properties. This amino acid position is highly conserved in available vertebrate species. In addition, this alteration is predicted to be deleterious by in silico analysis. Based on the available evidence, the clinical significance of this variant remains unclear.

Labcorp Genetics (formerly Invitae), Labcorp
Classification: Uncertain significance for Tuberous sclerosis 2. Last evaluated: 2022-08-05. Review status: criteria provided, single submitter. Criteria: Invitae Variant Classification Sherloc (09022015). Collection method: clinical testing. Allele origin: germline.
Comment: In summary, the available evidence is currently insufficient to determine the role of this variant in disease. Therefore, it has been classified as a Variant of Uncertain Significance. Advanced modeling of protein sequence and biophysical properties (such as structural, functional, and spatial information, amino acid conservation, physicochemical variation, residue mobility, and thermodynamic stability) performed at Invitae indicates that this missense variant is expected to disrupt TSC2 protein function. ClinVar contains an entry for this variant (Variation ID: 1055992). This missense change has been observed in individual(s) with clinical features of TSC2-related conditions (PMID: 21520333). This variant is not present in population databases (gnomAD no frequency). This sequence change replaces alanine, which is neutral and non-polar, with threonine, which is neutral and polar, at codon 840 of the TSC2 protein (p.Ala840Thr).

Literature cited by the submitters: PubMed 21520333 (cited by Labcorp Genetics (formerly Invitae), Labcorp).